The following is an entry in ClinVar:

NM_001005373.4(LRSAM1):c.2029_2046+7del

Gene: LRSAM1 (leucine rich repeat and sterile alpha motif containing 1; plus strand). Cytogenetic location: 9q34.11.
Variant type: Deletion.
Coding change: c.2029_2046+7del on transcript NM_001005373.4 (MANE Select); coding-DNA position 2029 through 7 bases into the intron after coding-DNA position 2046, 25 bases deleted (GTGTGCCTGGAACGGGAGGTAAGTC).
Molecular consequence: splice donor variant.
Genome position (GRCh38, 1-based): chr9:127,501,126-127,501,150, GTGTGCCTGGAACGGGAGGTAAGTC deleted; deleting any 25 consecutive bases within chr9:127,501,123-127,501,150 gives the same sequence; the c. name uses the placement nearest the transcript's 3' end. VCF-style (leftmost placement, unchanged base first): chr9-127501122-TGTCGTGTGCCTGGAACGGGAGGTAA-T. GRCh37 (hg19) VCF-style: chr9-130263401-TGTCGTGTGCCTGGAACGGGAGGTAA-T.
Other names: c.2029_2046+7del (NM_138361.5, NM_001384142.1, NM_001005374.4); c.1930_1947+7del (NM_001384143.1); c.1948_1965+7del (NM_001190723.3); c.1240_1257+7del (NM_001384144.1).
Identifiers: ClinVar variation 946095 (VCV000946095.7), dbSNP rs1836374325, ClinGen allele CA1139661176.

ClinVar aggregate classification (germline): Uncertain significance (1 of 4 stars; one submission).

Conditions:
Charcot-Marie-Tooth disease axonal type 2P. Also called: CHARCOT-MARIE-TOOTH NEUROPATHY, TYPE 2P; Charcot-Marie-Tooth Neuropathy Type 2G; CHARCOT-MARIE-TOOTH DISEASE, AXONAL, TYPE 2G; CMT 2G. Identifiers: Orphanet 300319, Orphanet 99941, MedGen C3280797, MONDO:0013753, OMIM 614436.

Submission:

Labcorp Genetics (formerly Invitae), Labcorp
Classification: Uncertain significance for Charcot-Marie-Tooth disease axonal type 2P. Last evaluated: 2019-05-07. Review status: criteria provided, single submitter. Criteria: Invitae Variant Classification Sherloc (09022015). Collection method: clinical testing. Allele origin: germline.
Comment: This variant is a deletion of the genomic region encompassing part of exon 24 (c.2029_2046+7del) of the LRSAM1 gene. While this is not anticipated to result in nonsense mediated decay, it likely alters RNA splicing and results in a disrupted protein product. Disruption of the donor splice site of exon 24 has been observed in a family affected with Charcot-Marie-Tooth disease (PMID: 24894446). In summary, the available evidence is currently insufficient to determine the role of this variant in disease. Therefore, it has been classified as a Variant of Uncertain Significance.

Literature cited by the submitters: PubMed 24894446.